The following is an entry in ClinVar:

ClinVar aggregate classification (germline): Likely benign (1 of 4 stars; one submission).

Conditions:
SCAPER-related disorder. Also called: SCAPER-related condition.

gnomAD v4.1: 101 of 1,609,024 alleles (0.0063%); highest among the groups gnomAD compares: Non-Finnish European, 0.0082%; no homozygotes.

Submission:

PreventionGenetics, part of Exact Sciences
Classification: Likely benign for SCAPER-related condition. Last evaluated: 2025-01-11. Review status: criteria provided, single submitter. Criteria: ACMG Guidelines, 2015. Collection method: clinical testing. Allele origin: germline.
Comment: This variant is classified as likely benign based on ACMG/AMP sequence variant interpretation guidelines (Richards et al. 2015 PMID: 25741868, with internal and published modifications).

NM_020843.4(SCAPER):c.3885A>G (p.Thr1295=)

Gene: SCAPER (S-phase cyclin A associated protein in the ER; minus strand). Cytogenetic location: 15q24.3.
Variant type: single nucleotide variant.
Coding change: c.3885A>G on transcript NM_020843.4 (MANE Select); coding-DNA position 3885, A replaced by G.
Protein change: p.Thr1295=; no amino-acid change (threonine 1295 retained).
Molecular consequence: synonymous variant. On other transcripts: non-coding transcript variant (1).
Genome position (GRCh38, 1-based): chr15:76,354,111, T>C on the plus strand (A>G on the coding strand, the complement: SCAPER is on the minus strand). VCF-style: chr15-76354111-T-C. GRCh37 (hg19) VCF-style: chr15-76646452-T-C.
Other names: c.3147A>G, p.Thr1049= (NM_001145923.2); c.3903A>G, p.Thr1301= (NM_001353009.2); c.3483A>G, p.Thr1161= (NM_001353010.2, NM_001353012.2); c.3501A>G, p.Thr1167= (NM_001353011.2).
Identifiers: ClinVar variation 4984068 (VCV004984068.1).